The following is an entry in ClinVar:

NM_177438.3(DICER1):c.2262A>G (p.Pro754=)

Gene: DICER1 (dicer 1, ribonuclease III; minus strand). Cytogenetic location: 14q32.13.
Variant type: single nucleotide variant.
Coding change: c.2262A>G on transcript NM_177438.3 (MANE Select); coding-DNA position 2262, A replaced by G.
Protein change: p.Pro754=; no amino-acid change (proline 754 retained).
Molecular consequence: synonymous variant.
Genome position (GRCh38, 1-based): chr14:95,108,498, T>C on the plus strand (A>G on the coding strand, the complement: DICER1 is on the minus strand). VCF-style: chr14-95108498-T-C. GRCh37 (hg19) VCF-style: chr14-95574835-T-C.
Other names: c.2262A>G, p.Pro754= (NM_001195573.1, NM_001271282.3, NM_001291628.2 and 1 more transcripts).
Identifiers: ClinVar variation 417104 (VCV000417104.18), dbSNP rs751563281, ClinGen allele CA7331261.

ClinVar aggregate classification (germline): Benign/Likely benign. Review status: criteria provided, multiple submitters, no conflicts (2 of 4 stars). 3 submissions from 3 submitters: Benign (1); Likely benign (2). Last evaluated 2026-04-16.

Conditions:
DICER1-related tumor predisposition. Also called: DICER1-related pleuropulmonary blastoma cancer predisposition syndrome; DICER1 syndrome. Identifiers: Orphanet 284343, MedGen C3839822, MONDO:0100216.
Hereditary cancer-predisposing syndrome. Also called: Hereditary Cancer Syndrome; Neoplastic Syndromes, Hereditary; Hereditary neoplastic syndrome; Tumor predisposition. Identifiers: Orphanet 140162, MedGen C0027672, MeSH D009386, MONDO:0015356.

Allele frequency attached by ClinVar (database versions not stated): TOPMed 0.00001; gnomAD exomes 0.00001 and 0.00002; gnomAD 0.00001; ExAC 0.00002.
gnomAD v4.1: 17 of 1,613,980 alleles (0.0011%); highest among the groups gnomAD compares: Admixed American, 0.0017%; no homozygotes.

Submissions (3):

Myriad Genetics, Inc.
Classification: Benign for DICER1-related tumor predisposition. Last evaluated: 2026-04-16. Review status: criteria provided, single submitter. Criteria: Myriad Autosomal Dominant, Autosomal Recessive and X-Linked Classification Criteria (2023). Collection method: clinical testing. Allele origin: unknown.
Comment: This variant is considered benign. This variant is a silent/synonymous amino acid change and it is not expected to impact splicing.

Labcorp Genetics (formerly Invitae), Labcorp
Classification: Likely benign for DICER1-related tumor predisposition. Last evaluated: 2025-05-11. Review status: criteria provided, single submitter. Criteria: Invitae Variant Classification Sherloc (09022015). Collection method: clinical testing. Allele origin: germline.

Ambry Genetics
Classification: Likely benign for Hereditary cancer-predisposing syndrome. Last evaluated: 2017-08-29. Review status: criteria provided, single submitter. Criteria: Ambry Variant Classification Scheme 2023. Collection method: clinical testing. Allele origin: germline.